The following is an entry in ClinVar:

NM_178557.4(ASPNAT):c.541+7C>T

Gene: ASPNAT (aspartate N-acetyltransferase; plus strand). Cytogenetic location: 4p16.3.
Variant type: single nucleotide variant.
Coding change: c.541+7C>T on transcript NM_178557.4 (MANE Select); 7 bases into the intron after coding-DNA position 541, C replaced by T.
Molecular consequence: intron variant.
Genome position (GRCh38, 1-based): chr4:2,061,169, C>T. VCF-style: chr4-2061169-C-T. GRCh37 (hg19) VCF-style: chr4-2062896-C-T.
Identifiers: ClinVar variation 3045616 (VCV003045616.2), dbSNP rs369632714, ClinGen allele CA2813843.

ClinVar aggregate classification (germline): Likely benign (0 of 4 stars; one submission).

Conditions:
NAT8L-related disorder. Also called: NAT8L-related condition.

Allele frequency attached by ClinVar (database versions not stated): ESP Exome Variant Server 0.00015; TOPMed 0.00070; 1000 Genomes Project 30x 0.00031; gnomAD 0.00058; ExAC 0.00023.

Submission:

PreventionGenetics, part of Exact Sciences
Classification: Likely benign for NAT8L-related condition. Last evaluated: 2019-10-04. Review status: no assertion criteria provided. Collection method: clinical testing. Allele origin: germline.
Comment: This variant is classified as likely benign based on ACMG/AMP sequence variant interpretation guidelines (Richards et al. 2015 PMID: 25741868, with internal and published modifications).